The following is an entry in ClinVar:

ClinVar aggregate classification (germline): Likely benign (1 of 4 stars; one submission).

Allele frequency attached by ClinVar (database versions not stated): ExAC 0.00001; gnomAD 0.00001; gnomAD exomes 0.00001; TOPMed 0.00003.
gnomAD v4.1: 10 of 1,613,992 alleles (0.00062%); highest among the groups gnomAD compares: East Asian, 0.0022%; no homozygotes.

Submission:

CeGaT Center for Human Genetics Tuebingen
Classification: Likely benign. Last evaluated: 2023-02-01. Review status: criteria provided, single submitter. Criteria: CeGaT Center For Human Genetics Tuebingen Variant Classification Criteria Version 2. Collection method: clinical testing. Allele origin: germline. Affected: yes. Observed: 1 variant allele.
Comment: ANKRD6: BP4, BP7

NM_001242809.2(ANKRD6):c.687C>T (p.Ala229=)

Gene: ANKRD6 (ankyrin repeat domain 6; plus strand). Cytogenetic location: 6q15.
Variant type: single nucleotide variant.
Coding change: c.687C>T on transcript NM_001242809.2 (MANE Select); coding-DNA position 687, C replaced by T.
Protein change: p.Ala229=; no amino-acid change (alanine 229 retained).
Molecular consequence: synonymous variant.
Genome position (GRCh38, 1-based): chr6:89,616,630, C>T. VCF-style: chr6-89616630-C-T. GRCh37 (hg19) VCF-style: chr6-90326349-C-T.
Other names: c.687C>T, p.Ala229= (NM_001242811.1, NM_001242813.1, NM_014942.4); c.588C>T, p.Ala196= (NM_001242814.1).
Identifiers: ClinVar variation 2656762 (VCV002656762.24), dbSNP rs771678178, ClinGen allele CA3921237.
Genomic context (GRCh38, chr6:89,616,630, plus strand): 5'-AGCACTTCACGTTGCTGCTGCCCTAAATCACAAGAAGGTGGCCAAAATCTTACTGGAAGC[C>T]GGAGCAGATACGACCATTGTTAACAATGTAAGTTGAGTTGCAACATTGCTTTCTAAAGTG-3'
Protein context (NP_001229738.1, residues 219-239): HKKVAKILLE[Ala229=]GADTTIVNNA